The following is an entry in ClinVar:

ClinVar aggregate classification (germline): Uncertain significance. Review status: criteria provided, multiple submitters, no conflicts (2 of 4 stars). 5 submissions from 5 submitters: Uncertain significance (4). 1 of the submissions does not count toward it. Last evaluated 2026-01-14.

Conditions:
Inborn genetic diseases. Identifiers: MedGen C0950123, MeSH D030342.
Congenital hyperammonemia, type I. Also called: CPS I DEFICIENCY; Carbamoyl phosphate synthetase I deficiency disease; Carbamoyl-phosphate synthase I deficiency; Carbamoyl phosphate synthetase 1 deficiency; Hyperammonemia due to carbamoyl phosphate synthetase 1 deficiency; CPS 1 deficiency. Identifiers: Orphanet 147, MedGen C4082171, MONDO:0009376, OMIM 237300.

Allele frequency attached by ClinVar (database versions not stated): gnomAD 0.00060 and 0.00056; 1000 Genomes Project 30x 0.00016; 1000 Genomes Project 0.00020; ExAC 0.00033; gnomAD exomes 0.00034; TOPMed 0.00048; ESP Exome Variant Server 0.00054.
gnomAD v4.1: 1,057 of 1,612,580 alleles (0.066%); highest among the groups gnomAD compares: Non-Finnish European, 0.085%; no homozygotes.

Submissions (5):

Ambry Genetics
Classification: Uncertain significance for Inborn genetic diseases. Last evaluated: 2026-01-14. Review status: criteria provided, single submitter. Criteria: Ambry Variant Classification Scheme 2023. Collection method: clinical testing. Allele origin: germline.
Comment: The c.713G>A (p.R238Q) alteration is located in exon 8 (coding exon 8) of the CPS1 gene. This alteration results from a G to A substitution at nucleotide position 713, causing the arginine (R) at amino acid position 238 to be replaced by a glutamine (Q). Based on data from gnomAD, the A allele has an overall frequency of 0.035% (98/282244) total alleles studied. The highest observed frequency was 0.067% (86/128704) of European (non-Finnish) alleles. Based on insufficient or conflicting evidence, the clinical significance of this alteration remains unclear.

Labcorp Genetics (formerly Invitae), Labcorp
Classification: Uncertain significance for Congenital hyperammonemia, type I. Last evaluated: 2022-09-27. Review status: criteria provided, single submitter. Criteria: Invitae Variant Classification Sherloc (09022015). Collection method: clinical testing. Allele origin: germline.
Comment: This sequence change replaces arginine, which is basic and polar, with glutamine, which is neutral and polar, at codon 238 of the CPS1 protein (p.Arg238Gln). This variant is present in population databases (rs147294932, gnomAD 0.07%). This variant has not been reported in the literature in individuals affected with CPS1-related conditions. ClinVar contains an entry for this variant (Variation ID: 583220). Algorithms developed to predict the effect of missense changes on protein structure and function (SIFT, PolyPhen-2, Align-GVGD) all suggest that this variant is likely to be tolerated. In summary, the available evidence is currently insufficient to determine the role of this variant in disease. Therefore, it has been classified as a Variant of Uncertain Significance.

Department of Pathology and Laboratory Medicine, Sinai Health System
Classification: Uncertain significance for carbamoyl phosphate synthetase I deficiency disease. Last evaluated: 2022-06-10. Review status: criteria provided, single submitter. Criteria: ACMG Guidelines, 2015. Collection method: research. Allele origin: germline.

GeneDx
Classification: Uncertain significance. Last evaluated: 2021-07-19. Review status: criteria provided, single submitter. Criteria: GeneDx Variant Classification Process June 2021. Collection method: clinical testing. Allele origin: germline. Affected: yes.
Comment: Missense variants in this gene are often considered pathogenic (Stenson et al., 2014); In silico analysis supports that this missense variant has a deleterious effect on protein structure/function; Has not been previously published as pathogenic or benign to our knowledge; Missense variants in nearby residues reported in the Human Gene Mutation Database (Stenson et al., 2014)

Natera, Inc.
Classification: Uncertain significance for Carbamoyl-phosphate synthase I deficiency. Last evaluated: 2020-02-21. Review status: no assertion criteria provided. Collection method: clinical testing. Allele origin: germline. Not counted in ClinVar's aggregate classification.

NM_001875.5(CPS1):c.713G>A (p.Arg238Gln)

Gene: CPS1 (carbamoyl-phosphate synthase 1; plus strand). Cytogenetic location: 2q34.
Variant type: single nucleotide variant.
Coding change: c.713G>A on transcript NM_001875.5 (MANE Select); coding-DNA position 713, G replaced by A.
Protein change: p.Arg238Gln; replaces arginine 238 with glutamine.
Molecular consequence: missense variant. On other transcripts: non-coding transcript variant (1).
Genome position (GRCh38, 1-based): chr2:210,590,107, G>A. VCF-style: chr2-210590107-G-A. GRCh37 (hg19) VCF-style: chr2-211454831-G-A.
Other names: c.713G>A (LRG_336t1); c.713G>A, p.Arg238Gln (NM_001122633.3, NM_001369257.1); c.746G>A, p.Arg249Gln (NM_001369256.1); short protein forms R238Q, R249Q.
Identifiers: ClinVar variation 583220 (VCV000583220.13), dbSNP rs147294932, ClinGen allele CA2086124.